The following is an entry in ClinVar:

NM_001242835.2(NDRG4):c.765G>A (p.Thr255=)

Gene: NDRG4 (NDRG family member 4; plus strand). Cytogenetic location: 16q21.
Variant type: single nucleotide variant.
Coding change: c.765G>A on transcript NM_001242835.2 (MANE Select); coding-DNA position 765, G replaced by A.
Protein change: p.Thr255=; no amino-acid change (threonine 255 retained).
Molecular consequence: synonymous variant. On other transcripts: non-coding transcript variant (1).
Genome position (GRCh38, 1-based): chr16:58,508,997, G>A. VCF-style: chr16-58508997-G-A. GRCh37 (hg19) VCF-style: chr16-58542901-G-A.
Other names: c.921G>A, p.Thr307= (NM_001130487.2, NM_001378336.1); c.855G>A, p.Thr285= (NM_001242833.2, NM_001378344.1); c.819G>A, p.Thr273= (NM_001242834.2, NM_001378347.1); c.765G>A, p.Thr255= (NM_001242836.2); c.600G>A, p.Thr200= (NM_001363869.2); c.1011G>A, p.Thr337= (NM_001378332.1, NM_001378334.1); c.975G>A, p.Thr325= (NM_001378333.1, NM_001378335.1); c.954G>A, p.Thr318= (NM_001378337.1); and 4 more.
Identifiers: ClinVar variation 1247721 (VCV001247721.5), dbSNP rs867583, ClinGen allele CA8087727.

ClinVar aggregate classification (germline): Benign. Review status: criteria provided, multiple submitters, no conflicts (2 of 4 stars). 3 submissions from 3 submitters: Benign (2). 1 of the submissions does not count toward it. Last evaluated 2019-01-10.

Conditions:
NDRG4-related disorder. Also called: NDRG4-related condition.

Allele frequency attached by ClinVar (database versions not stated): gnomAD exomes 0.26673 and 0.22626; gnomAD 0.27030 and 0.26493; ExAC 0.27484; TOPMed 0.27888; 1000 Genomes Project 0.35883; 1000 Genomes Project 30x 0.35915; ESP Exome Variant Server 0.25869.

Submissions (3):

GeneDx
Classification: Benign. Last evaluated: 2019-01-10. Review status: criteria provided, single submitter. Criteria: GeneDx Variant Classification Process June 2021. Collection method: clinical testing. Allele origin: germline. Affected: yes.

Breakthrough Genomics
Classification: Benign. Review status: criteria provided, single submitter. Criteria: ACMG Guidelines, 2015. Collection method: not provided. Allele origin: germline. Inheritance: Unknown mechanism. Affected: yes.

PreventionGenetics, part of Exact Sciences
Classification: Benign for NDRG4-related condition. Last evaluated: 2019-10-18. Review status: no assertion criteria provided. Collection method: clinical testing. Allele origin: germline. Not counted in ClinVar's aggregate classification.
Comment: This variant is classified as benign based on ACMG/AMP sequence variant interpretation guidelines (Richards et al. 2015 PMID: 25741868, with internal and published modifications).